The following is an entry in ClinVar:

ClinVar aggregate classification (germline): Uncertain significance. Review status: criteria provided, multiple submitters, no conflicts (2 of 4 stars). 3 submissions from 3 submitters: Uncertain significance (2). 1 of the submissions does not count toward it. Last evaluated 2025-12-29.

Conditions:
Megaloblastic anemia, folate-responsive. Also called: Folate level in erythrocytes. Identifiers: MedGen C2749656, MONDO:0011141, OMIM 601775, HP:0004851.

Submissions (3):

Center for Genomic Medicine, Rigshospitalet, Copenhagen University Hospital
Classification: Uncertain significance. Last evaluated: 2025-12-29. Review status: criteria provided, single submitter. Criteria: ACMG Guidelines, 2015. Collection method: clinical testing. Allele origin: germline.
Comment: Classification criteria: PM2_Supporting, PM4, PS3

Labcorp Genetics (formerly Invitae), Labcorp
Classification: Uncertain significance. Last evaluated: 2025-08-18. Review status: criteria provided, single submitter. Criteria: Invitae Variant Classification Sherloc (09022015). Collection method: clinical testing. Allele origin: germline.
Comment: This variant, c.634_636del, results in the deletion of 1 amino acid(s) of the SLC19A1 protein (p.Phe212del), but otherwise preserves the integrity of the reading frame. This variant is present in population databases (rs757838708, gnomAD 0.1%). This variant has been observed in individual(s) with megaloblastic folate-dependent anaemia (PMID: 32276275). Experimental studies and prediction algorithms are not available or were not evaluated, and the functional significance of this variant is currently unknown. In summary, the available evidence is currently insufficient to determine the role of this variant in disease. Therefore, it has been classified as a Variant of Uncertain Significance.

OMIM
Classification: Pathogenic for MEGALOBLASTIC ANEMIA, FOLATE-RESPONSIVE (1 patient). Last evaluated: 2021-04-08. Review status: no assertion criteria provided. Collection method: literature only. Allele origin: germline. Not counted in ClinVar's aggregate classification.

Literature cited by the submitters: PubMed 32276275 (cited by 3 submitters).

NM_194255.4(SLC19A1):c.631TTC[1] (p.Phe212del)

Gene: SLC19A1 (solute carrier family 19 member 1; minus strand). Cytogenetic location: 21q22.3.
Variant type: Microsatellite.
Coding change: c.631TTC[1] on transcript NM_194255.4 (MANE Select); one copy of the 3-base unit TTC starting at c.631; the reference has two copies in a row; one copy, 3 bases deleted.
Protein change: p.Phe212del; deletes phenylalanine 212.
Molecular consequence: inframe deletion.
Genome position (GRCh38, 1-based): chr21:45,531,702-45,531,704, GAA deleted on the plus strand (TTC on the coding strand, the reverse complement: SLC19A1 is on the minus strand); deleting any 3 consecutive bases within chr21:45,531,702-45,531,709 gives the same sequence; the position shown is the placement nearest the transcript's 3' end. VCF-style (leftmost placement, unchanged base first): chr21-45531701-TGAA-T. GRCh37 (hg19) VCF-style: chr21-46951615-TGAA-T.
Other names: c.634_636delTTC (NM_194255.4); c.631TTC[1], p.Phe212del (NM_001205206.4, NM_001352511.3, NM_001352512.2); c.511TTC[1], p.Phe172del (NM_001205207.3); c.277TTC[1], p.Phe94del (NM_001352510.2); short protein forms F172del, F212del, F94del.
Identifiers: ClinVar variation 1054650 (VCV001054650.8), dbSNP rs757838708, ClinGen allele CA10068575.